The following is an entry in ClinVar:

ClinVar aggregate classification (germline): Uncertain significance (1 of 4 stars; one submission).

Conditions:
Gorlin syndrome. Also called: Basal cell nevus syndrome; Nevoid Basal Cell Carcinoma Syndrome. Identifiers: Orphanet 377, MedGen C0004779, MONDO:0007187.

Submission:

Labcorp Genetics (formerly Invitae), Labcorp
Classification: Uncertain significance for Gorlin syndrome. Last evaluated: 2024-03-18. Review status: criteria provided, single submitter. Criteria: Invitae Variant Classification Sherloc (09022015). Collection method: clinical testing. Allele origin: germline.
Comment: This sequence change affects a donor splice site in intron 2 of the PTCH2 gene. It is expected to disrupt RNA splicing. Variants that disrupt the donor or acceptor splice site typically lead to a loss of protein function (PMID: 16199547), however the current clinical and genetic evidence is not sufficient to establish whether loss-of-function variants in PTCH2 cause disease. This variant is not present in population databases (gnomAD no frequency). This variant has not been reported in the literature in individuals affected with PTCH2-related conditions. Algorithms developed to predict the effect of sequence changes on RNA splicing suggest that this variant may disrupt the consensus splice site. In summary, the available evidence is currently insufficient to determine the role of this variant in disease. Therefore, it has been classified as a Variant of Uncertain Significance.

Literature cited by the submitters: PubMed 16199547.

NM_003738.5(PTCH2):c.265+1G>T

Gene: PTCH2 (patched 2; minus strand). Cytogenetic location: 1p34.1.
Variant type: single nucleotide variant.
Coding change: c.265+1G>T on transcript NM_003738.5 (MANE Select); the canonical splice donor site of the intron after coding-DNA position 265, G replaced by T.
Molecular consequence: splice donor variant.
Genome position (GRCh38, 1-based): chr1:44,841,846, C>A on the plus strand (G>T on the coding strand, the complement: PTCH2 is on the minus strand). VCF-style: chr1-44841846-C-A. GRCh37 (hg19) VCF-style: chr1-45307518-C-A.
Other names: c.265+1G>T (NM_001166292.2).
Identifiers: ClinVar variation 3692613 (VCV003692613.2).